The following is an entry in ClinVar:

ClinVar aggregate classification (germline): Pathogenic/Likely pathogenic. Review status: criteria provided, multiple submitters, no conflicts (2 of 4 stars). 2 submissions from 2 submitters: Pathogenic (1); Likely pathogenic (1). Last evaluated 2024-02-02.

Conditions:
X-linked Alport syndrome (ATS1). Also called: COL4A5-Related Nephropathy; NEPHROPATHY AND DEAFNESS, X-LINKED. Identifiers: Orphanet 63, Orphanet 88917, MedGen C4746986, MONDO:0010520, OMIM 301050.

Submissions (2):

Clinical Genetics Laboratory, Skane University Hospital Lund
Classification: Likely pathogenic. Last evaluated: 2024-02-02. Review status: criteria provided, single submitter. Criteria: ACMG Guidelines, 2015. Collection method: clinical testing. Allele origin: germline. Affected: yes.

Victorian Clinical Genetics Services, Murdoch Childrens Research Institute
Classification: Pathogenic for X-linked Alport syndrome. Last evaluated: 2023-12-21. Review status: criteria provided, single submitter. Criteria: ACMG Guidelines, 2015. Collection method: clinical testing. Allele origin: germline. Inheritance: X-linked inheritance. Affected: yes.
Comment: Based on the classification scheme VCGS_Germline_v1.3.4, this variant is classified as Pathogenic. Following criteria are met: 0103 - Dominant negative and loss of function are known mechanisms of disease in this gene and are associated with X-linked Alport syndrome 1 (MIM#301050). Dominant negative is caused mostly by glycine substitutions that affect the conformation of the protein, and loss of function can be caused by either protein truncating or missense variants (PMIDs: 24046192, 12028435). (I) 0110 - This gene is associated with X-linked dominant disease. Males are typically more severely affected than females (PMID: 19965530). (I) 0115 - Variants in this gene are known to have variable expressivity. There is intrafamilial variability among affected carrier females, possibly due to variable X-inactivation (PMID: 14514738). (I) 0201 - Variant is predicted to cause nonsense-mediated decay (NMD) and loss of protein (premature termination codon is located at least 54 nucleotides upstream of the final exon-exon junction). (SP) 0251 - This variant is heterozygous. (I) 0301 - Variant is absent from gnomAD (both v2 and v3). (SP) 0701 - Other NMD-predicted variants comparable to the one identified in this case have very strong previous evidence for pathogenicity. Many NMD-predicted variants have previously been reported as pathogenic in individuals with X-linked Alport syndrome (ClinVar). (SP) 0807 - This variant has no previous evidence of pathogenicity. (I) 0905 - No published segregation evidence has been identified for this variant. (I) 1007 - No published functional evidence has been identified for this variant. (I) 1208 - Inheritance information for this variant is not currently available in this individual. (I) Legend: (SP) - Supporting pathogenic, (I) - Information, (SB) - Supporting benign

Literature cited by the submitters: PubMed 12028435 (cited by Victorian Clinical Genetics Services, Murdoch Childrens Research Institute); PubMed 14514738 (cited by Victorian Clinical Genetics Services, Murdoch Childrens Research Institute); PubMed 19965530 (cited by Victorian Clinical Genetics Services, Murdoch Childrens Research Institute); PubMed 24046192 (cited by Victorian Clinical Genetics Services, Murdoch Childrens Research Institute).

NM_033380.3(COL4A5):c.999del (p.Gly334fs)

Gene: COL4A5 (collagen type IV alpha 5 chain; plus strand). Cytogenetic location: Xq22.3.
Variant type: Deletion.
Coding change: c.999del on transcript NM_033380.3 (MANE Select); coding-DNA position 999, one base deleted (A; older notation c.999delA).
Protein change: p.Gly334fs; shifts the reading frame from glycine 334.
Molecular consequence: frameshift variant.
Genome position (GRCh38, 1-based): chrX:108,584,492, A deleted; the last of 5 consecutive A bases (chrX:108,584,488-108,584,492); deleting any one gives the same sequence. VCF-style (leftmost placement, unchanged base first): chrX-108584487-CA-C. GRCh37 (hg19) VCF-style: chrX-107827717-CA-C.
Other names: c.999del, p.Gly334fs (NM_000495.5); short protein forms G334fs.
Identifiers: ClinVar variation 3255206 (VCV003255206.3), dbSNP rs2524259917.